The following is an entry in ClinVar:

NM_005188.4(CBL):c.*1686A>C

Gene: CBL (Cbl proto-oncogene; plus strand). Cytogenetic location: 11q23.3.
Variant type: single nucleotide variant.
Coding change: c.*1686A>C on transcript NM_005188.4 (MANE Select); 1686 bases downstream of the stop codon, A replaced by C.
Molecular consequence: 3 prime UTR variant.
Genome position (GRCh38, 1-based): chr11:119,301,467, A>C. VCF-style: chr11-119301467-A-C. GRCh37 (hg19) VCF-style: chr11-119172177-A-C.
Identifiers: ClinVar variation 302808 (VCV000302808.5), dbSNP rs147266033, ClinGen allele CA10633647.
Genomic context (GRCh38, chr11:119,301,467, plus strand): 5'-AGTGTGTAAGCTTTCTCCATGTCAGAAGCAAGCCTGCTCTTTGATAAATCTGTCTTCCTG[A>C]AAATCTAAATCATGCTTTTGTCTTTAGATCTACACAGAAATGACCCTCCTTGGATCAGTT-3'

ClinVar aggregate classification (germline): Benign (1 of 4 stars; one submission).

Conditions:
CBL-related disorder. Also called: NOONAN SYNDROME-LIKE DISORDER WITHOUT JUVENILE MYELOMONOCYTIC LEUKEMIA; CBL MUTATION-ASSOCIATED SYNDROME; CBL SYNDROME. Identifiers: Orphanet 363972, MedGen C3150803, MONDO:0013308, OMIM 613563.

Allele frequency attached by ClinVar (database versions not stated): gnomAD exomes 0.00055; gnomAD 0.00184 and 0.00194; TOPMed 0.00216; 1000 Genomes Project 0.00240; 1000 Genomes Project 30x 0.00281.
gnomAD v4.1: 322 of 230,852 alleles (0.14%); highest among the groups gnomAD compares: African/African-American, 0.63%; 2 homozygotes.

Submission:

Illumina Laboratory Services, Illumina
Classification: Benign for CBL-related disorder. Last evaluated: 2018-01-12. Review status: criteria provided, single submitter. Criteria: ICSL Variant Classification Criteria 13 December 2019. Collection method: clinical testing. Allele origin: germline.
Comment: This variant was observed in the ICSL laboratory as part of a predisposition screen in an ostensibly healthy population. It had not been previously curated by ICSL or reported in the Human Gene Mutation Database (HGMD: prior to June 1st, 2018), and was therefore a candidate for classification through an automated scoring system. Utilizing variant allele frequency, disease prevalence and penetrance estimates, and inheritance mode, an automated score was calculated to assess if this variant is too frequent to cause the disease. Based on the score and internal cut-off values, a variant classified as benign is not then subjected to further curation. The score for this variant resulted in a classification of benign for this disease.